The following is an entry in ClinVar:

NM_006231.4(POLE):c.5657A>T (p.Tyr1886Phe)

Gene: POLE (DNA polymerase epsilon, catalytic subunit; minus strand). Cytogenetic location: 12q24.33.
Variant type: single nucleotide variant.
Coding change: c.5657A>T on transcript NM_006231.4 (MANE Select); coding-DNA position 5657, A replaced by T.
Protein change: p.Tyr1886Phe; replaces tyrosine 1886 with phenylalanine.
Molecular consequence: missense variant.
Genome position (GRCh38, 1-based): chr12:132,638,035, T>A on the plus strand (A>T on the coding strand, the complement: POLE is on the minus strand). VCF-style: chr12-132638035-T-A. GRCh37 (hg19) VCF-style: chr12-133214621-T-A.
Other names: short protein forms Y1886F.
Identifiers: ClinVar variation 3659763 (VCV003659763.2).
Genomic context (GRCh38, chr12:132,638,035, plus strand): 5'-AAGCCACAGTGCTGCGTCACCAGGACCAGCCAGCCGCACCTGCTGGTGATGTACTCCACG[T>A]AAGCGATGGCATCTTCCACACGGCGCTTCTTTGTACAGAGGATGATGCGGTTGAAGTTGG-3'
Protein context (NP_006222.2, residues 1876-1896): KKRRVEDAIA[Tyr1886Phe]VEYITSSIHS

ClinVar aggregate classification (germline): Uncertain significance (1 of 4 stars; one submission).

gnomAD v4.1: 5 of 1,613,924 alleles (0.00031%); highest among the groups gnomAD compares: Non-Finnish European, 0.00042%; no homozygotes.

Submission:

Labcorp Genetics (formerly Invitae), Labcorp
Classification: Uncertain significance. Last evaluated: 2024-07-17. Review status: criteria provided, single submitter. Criteria: Invitae Variant Classification Sherloc (09022015). Collection method: clinical testing. Allele origin: germline.
Comment: This sequence change replaces tyrosine, which is neutral and polar, with phenylalanine, which is neutral and non-polar, at codon 1886 of the POLE protein (p.Tyr1886Phe). This variant is present in population databases (rs774058080, gnomAD 0.004%). This variant has not been reported in the literature in individuals affected with POLE-related conditions. Advanced modeling of protein sequence and biophysical properties (such as structural, functional, and spatial information, amino acid conservation, physicochemical variation, residue mobility, and thermodynamic stability) performed at Invitae indicates that this missense variant is not expected to disrupt POLE protein function with a negative predictive value of 80%. In summary, the available evidence is currently insufficient to determine the role of this variant in disease. Therefore, it has been classified as a Variant of Uncertain Significance.